The following is an entry in ClinVar:

ClinVar aggregate classification (germline): Uncertain significance (1 of 4 stars; one submission).

Allele frequency attached by ClinVar (database versions not stated): ExAC 0.00003; gnomAD 0.00007; ESP Exome Variant Server 0.00008; TOPMed 0.00008.
gnomAD v4.1: 41 of 1,613,704 alleles (0.0025%); highest among the groups gnomAD compares: African/African-American, 0.019%; no homozygotes.

Submission:

Labcorp Genetics (formerly Invitae), Labcorp
Classification: Uncertain significance. Last evaluated: 2025-12-30. Review status: criteria provided, single submitter. Criteria: Invitae Variant Classification Sherloc (09022015). Collection method: clinical testing. Allele origin: germline.
Comment: This sequence change replaces proline, which is neutral and non-polar, with leucine, which is neutral and non-polar, at codon 1174 of the TAOK2 protein (p.Pro1174Leu). This variant is present in population databases (rs375289466, gnomAD 0.03%). This variant has not been reported in the literature in individuals affected with TAOK2-related conditions. ClinVar contains an entry for this variant (Variation ID: 2184189). An algorithm developed to predict the effect of missense changes on protein structure and function outputs the following: PolyPhen-2: "Probably Damaging". The leucine amino acid residue is found in multiple mammalian species, which suggests that this missense change does not adversely affect protein function. In summary, the available evidence is currently insufficient to determine the role of this variant in disease. Therefore, it has been classified as a Variant of Uncertain Significance.

NM_016151.4(TAOK2):c.3521C>T (p.Pro1174Leu)

Gene: TAOK2 (TAO kinase 2; plus strand). Cytogenetic location: 16p11.2.
Variant type: single nucleotide variant.
Coding change: c.3521C>T on transcript NM_016151.4 (MANE Select); coding-DNA position 3521, C replaced by T.
Protein change: p.Pro1174Leu; replaces proline 1174 with leucine.
Molecular consequence: missense variant. On other transcripts: intron variant (1).
Genome position (GRCh38, 1-based): chr16:29,987,793, C>T. VCF-style: chr16-29987793-C-T. GRCh37 (hg19) VCF-style: chr16-29999114-C-T.
Other names: c.3182C>T, p.Pro1061Leu (NM_001252043.2); c.2232+1289C>T (NM_004783.4); short protein forms P1061L, P1174L.
Identifiers: ClinVar variation 2184189 (VCV002184189.4), dbSNP rs375289466, ClinGen allele CA7998587.